The following is an entry in ClinVar:

ClinVar aggregate classification (germline): Conflicting classifications of pathogenicity. Review status: criteria provided, conflicting classifications (1 of 4 stars). 2 submissions from 2 submitters: Uncertain significance (1); Likely benign (1). Last evaluated 2023-08-01.

Conditions:
Pulmonary fibrosis and/or bone marrow failure, Telomere-related, 3. Also called: PULMONARY FIBROSIS AND/OR BONE MARROW FAILURE SYNDROME, TELOMERE-RELATED, 3. Identifiers: Orphanet 2032, MedGen C4225346, MONDO:0014613, OMIM 616373.
Dyskeratosis congenita, autosomal recessive 5 (DKCB5). Identifiers: MedGen C3554656, MONDO:0014076, OMIM 615190.

Submissions (2):

CeGaT Center for Human Genetics Tuebingen
Classification: Uncertain significance. Last evaluated: 2023-08-01. Review status: criteria provided, single submitter. Criteria: CeGaT Center For Human Genetics Tuebingen Variant Classification Criteria Version 2. Collection method: clinical testing. Allele origin: germline. Affected: yes. Observed: 1 variant allele.
Comment: RTEL1: PM2, BP4

Labcorp Genetics (formerly Invitae), Labcorp
Classification: Likely benign for Dyskeratosis congenita, autosomal recessive 5; Pulmonary fibrosis and/or bone marrow failure, Telomere-related, 3. Last evaluated: 2022-09-22. Review status: criteria provided, single submitter. Criteria: Invitae Variant Classification Sherloc (09022015). Collection method: clinical testing. Allele origin: germline.

NM_001283009.2(RTEL1):c.396-7C>T

Genes: RTEL1 (regulator of telomere elongation helicase 1; plus strand), RTEL1-TNFRSF6B (RTEL1-TNFRSF6B readthrough (NMD candidate); plus strand). Cytogenetic location: 20q13.33.
Variant type: single nucleotide variant.
Coding change: c.396-7C>T on transcript NM_001283009.2 (MANE Select); 7 bases into the intron before coding-DNA position 396, C replaced by T.
Molecular consequence: intron variant. On other transcripts: missense variant (1).
Genome position (GRCh38, 1-based): chr20:63,662,539, C>T. VCF-style: chr20-63662539-C-T. GRCh37 (hg19) VCF-style: chr20-62293892-C-T.
Other names: c.461C>T, p.Pro154Leu (NM_032957.5); c.-274-7C>T (NM_001283010.1); c.396-7C>T (NM_016434.4); short protein forms P154L.
Identifiers: ClinVar variation 2031847 (VCV002031847.28), dbSNP rs2516997727, ClinGen allele CA409669446.